The following is an entry in ClinVar:

NM_015087.5(SPART):c.1771G>T (p.Val591Leu)

Gene: SPART (spartin; minus strand). Cytogenetic location: 13q13.3.
Variant type: single nucleotide variant.
Coding change: c.1771G>T on transcript NM_015087.5 (MANE Select); coding-DNA position 1771, G replaced by T.
Protein change: p.Val591Leu; replaces valine 591 with leucine.
Molecular consequence: missense variant.
Genome position (GRCh38, 1-based): chr13:36,304,595, C>A on the plus strand (G>T on the coding strand, the complement: SPART is on the minus strand). VCF-style: chr13-36304595-C-A. GRCh37 (hg19) VCF-style: chr13-36878732-C-A.
Other names: c.1771G>T, p.Val591Leu (NM_001142294.2, NM_001142295.2, NM_001142296.2); short protein forms V591L.
Identifiers: ClinVar variation 1510706 (VCV001510706.8), dbSNP rs2137253718, ClinGen allele CA387853878.

ClinVar aggregate classification (germline): Uncertain significance (1 of 4 stars; one submission).

Submission:

Labcorp Genetics (formerly Invitae), Labcorp
Classification: Uncertain significance. Last evaluated: 2021-02-16. Review status: criteria provided, single submitter. Criteria: Invitae Variant Classification Sherloc (09022015). Collection method: clinical testing. Allele origin: germline.
Comment: In summary, the available evidence is currently insufficient to determine the role of this variant in disease. Therefore, it has been classified as a Variant of Uncertain Significance. Algorithms developed to predict the effect of missense changes on protein structure and function (SIFT, PolyPhen-2, Align-GVGD) all suggest that this variant is likely to be tolerated, but these predictions have not been confirmed by published functional studies and their clinical significance is uncertain. This variant has not been reported in the literature in individuals with SPART-related conditions. This variant is not present in population databases (ExAC no frequency). This sequence change replaces valine with leucine at codon 591 of the SPART protein (p.Val591Leu). The valine residue is moderately conserved and there is a small physicochemical difference between valine and leucine.